The following is an entry in ClinVar:

NM_005143.5(HP):c.957C>T (p.Pro319=)

Gene: HP (haptoglobin; plus strand). Cytogenetic location: 16q22.2.
Variant type: single nucleotide variant.
Coding change: c.957C>T on transcript NM_005143.5 (MANE Select); coding-DNA position 957, C replaced by T.
Protein change: p.Pro319=; no amino-acid change (proline 319 retained).
Molecular consequence: synonymous variant.
Genome position (GRCh38, 1-based): chr16:72,060,626, C>T. VCF-style: chr16-72060626-C-T. GRCh37 (hg19) VCF-style: chr16-72094525-C-T.
Other names: c.780C>T, p.Pro260= (NM_001126102.3, NM_001318138.2).
Identifiers: ClinVar variation 708606 (VCV000708606.7), dbSNP rs112933438, ClinGen allele CA8159228.

ClinVar aggregate classification (germline): Benign/Likely benign. Review status: criteria provided, multiple submitters, no conflicts (2 of 4 stars). 4 submissions from 4 submitters: Benign (2); Likely benign (1). 1 of the submissions does not count toward it. Last evaluated 2024-11-25.

Conditions:
HP-related disorder. Also called: HP-related condition.

Allele frequency attached by ClinVar (database versions not stated): gnomAD 0.00317 and 0.00341; TOPMed 0.00343; ESP Exome Variant Server 0.00408; 1000 Genomes Project 30x 0.00422; 1000 Genomes Project 0.00439; gnomAD exomes 0.00481 and 0.00581; ExAC 0.00515.
gnomAD v4.1: 8,990 of 1,614,156 alleles (0.56%); highest among the groups gnomAD compares: South Asian, 1.1%; 37 homozygotes.

Submissions (4):

Blueprint Genetics
Classification: Likely benign. Last evaluated: 2024-11-25. Review status: criteria provided, single submitter. Criteria: ACMG Guidelines, 2015. Collection method: clinical testing. Allele origin: germline.

Labcorp Genetics (formerly Invitae), Labcorp
Classification: Benign. Last evaluated: 2018-08-29. Review status: criteria provided, single submitter. Criteria: Invitae Variant Classification Sherloc (09022015). Collection method: clinical testing. Allele origin: germline.

Breakthrough Genomics
Classification: Benign. Review status: criteria provided, single submitter. Criteria: ACMG Guidelines, 2015. Collection method: not provided. Allele origin: germline. Inheritance: Unknown mechanism. Affected: yes.

PreventionGenetics, part of Exact Sciences
Classification: Benign for HP-related condition. Last evaluated: 2019-10-31. Review status: no assertion criteria provided. Collection method: clinical testing. Allele origin: germline. Not counted in ClinVar's aggregate classification.
Comment: This variant is classified as benign based on ACMG/AMP sequence variant interpretation guidelines (Richards et al. 2015 PMID: 25741868, with internal and published modifications).